The following is an entry in ClinVar:

ClinVar aggregate classification (germline): Conflicting classifications of pathogenicity. Review status: criteria provided, conflicting classifications (1 of 4 stars). 4 submissions from 4 submitters: Uncertain significance (3); Likely benign (1). Last evaluated 2025-10-01.

Conditions:
Charcot-Marie-Tooth disease. Also called: Charcot-Marie-Tooth Neuropathy; Charcot-Marie-Tooth Hereditary Neuropathy. Identifiers: Orphanet 166, MedGen C0007959, MONDO:0015626.
SH3TC2-related disorder. Also called: SH3TC2-related disorders; SH3TC2-related condition. Identifiers: MedGen CN239303.
Charcot-Marie-Tooth disease type 4. Also called: Charcot-Marie-Tooth disease, type IV; Charcot-Marie-Tooth, Type 4. Identifiers: Orphanet 64749, MedGen C4082197, MONDO:0018995.

Allele frequency attached by ClinVar (database versions not stated): gnomAD exomes 0.00001 and 0.00002; ExAC 0.00002; TOPMed 0.00006; gnomAD 0.00007 and 0.00008; ESP Exome Variant Server 0.00008.
gnomAD v4.1: 21 of 1,614,078 alleles (0.0013%); highest among the groups gnomAD compares: African/African-American, 0.027%; no homozygotes.

Submissions (4):

Mayo Clinic Laboratories, Mayo Clinic
Classification: Uncertain significance. Last evaluated: 2025-10-01. Review status: criteria provided, single submitter. Criteria: ACMG Guidelines, 2015. Collection method: clinical testing. Allele origin: germline. Observed: 1 variant allele.
Comment: BP4

PreventionGenetics, part of Exact Sciences
Classification: Uncertain significance for SH3TC2-related condition. Last evaluated: 2025-03-20. Review status: criteria provided, single submitter. Criteria: ACMG Guidelines, 2015. Collection method: clinical testing. Allele origin: germline.
Comment: The SH3TC2 c.1163C>T variant is predicted to result in the amino acid substitution p.Pro388Leu. This variant was reported as a variant of uncertain significance in an individual from a large cohort study of Charcot-Marie-Tooth disease; however, additional evidence was not provided (Volodarsky et al. 2021. PubMed ID: 32376792). This variant is reported in 0.036% of alleles in individuals of African descent in gnomAD. At this time, the clinical significance of this variant is uncertain due to the absence of conclusive functional and genetic evidence.

Labcorp Genetics (formerly Invitae), Labcorp
Classification: Likely benign for Charcot-Marie-Tooth disease type 4. Last evaluated: 2023-11-05. Review status: criteria provided, single submitter. Criteria: Invitae Variant Classification Sherloc (09022015). Collection method: clinical testing. Allele origin: germline.

Molecular Genetics Laboratory, London Health Sciences Centre
Classification: Uncertain significance for Charcot-Marie-Tooth disease. Review status: criteria provided, single submitter. Criteria: ACMG Guidelines, 2015. Collection method: clinical testing. Allele origin: germline. Affected: yes.

Literature cited by the submitters: PubMed 32376792 (cited by Mayo Clinic Laboratories, Mayo Clinic).

NM_024577.4(SH3TC2):c.1163C>T (p.Pro388Leu)

Gene: SH3TC2 (SH3 domain and tetratricopeptide repeats 2; minus strand). Cytogenetic location: 5q32.
Variant type: single nucleotide variant.
Coding change: c.1163C>T on transcript NM_024577.4 (MANE Select); coding-DNA position 1163, C replaced by T.
Protein change: p.Pro388Leu; replaces proline 388 with leucine.
Molecular consequence: missense variant.
Genome position (GRCh38, 1-based): chr5:149,028,691, G>A on the plus strand (C>T on the coding strand, the complement: SH3TC2 is on the minus strand). VCF-style: chr5-149028691-G-A. GRCh37 (hg19) VCF-style: chr5-148408254-G-A.
Other names: p.Pro388Leu; short protein forms P388L.
Identifiers: ClinVar variation 917278 (VCV000917278.12), dbSNP rs146364285, ClinGen allele CA3499270.
Genomic context (GRCh38, chr5:149,028,691, plus strand): 5'-GCTGTCCTCAAGGATGAATGTCAGGTTCAGCATGATCGCTACTCACCACTCAGATCATTT[G>A]GAGGATTCTGGATGGATTCAAACCCACCTAAGTAGAGATGAAGAACAGGTCTGGTGTTAG-3'
Protein context (NP_078853.2, residues 378-398): LSGFESIQNP[Pro388Leu]NDLSASQPEG